The following is an entry in ClinVar:

ClinVar aggregate classification (germline): Uncertain significance (1 of 4 stars; one submission).

Allele frequency attached by ClinVar (database versions not stated): TOPMed below 0.00001; gnomAD 0.00001; gnomAD exomes 0.00001.
gnomAD v4.1: 21 of 1,612,930 alleles (0.0013%); highest among the groups gnomAD compares: Non-Finnish European, 0.0018%; no homozygotes.

Submission:

Labcorp Genetics (formerly Invitae), Labcorp
Classification: Uncertain significance. Last evaluated: 2022-09-01. Review status: criteria provided, single submitter. Criteria: Invitae Variant Classification Sherloc (09022015). Collection method: clinical testing. Allele origin: germline.
Comment: This variant has not been reported in the literature in individuals affected with ATRN-related conditions. In summary, the available evidence is currently insufficient to determine the role of this variant in disease. Therefore, it has been classified as a Variant of Uncertain Significance. Algorithms developed to predict the effect of missense changes on protein structure and function (SIFT, PolyPhen-2, Align-GVGD) all suggest that this variant is likely to be disruptive. This variant is present in population databases (no rsID available, gnomAD 0.002%). This sequence change replaces tyrosine, which is neutral and polar, with cysteine, which is neutral and slightly polar, at codon 1234 of the ATRN protein (p.Tyr1234Cys).

NM_139321.3(ATRN):c.3701A>G (p.Tyr1234Cys)

Gene: ATRN (attractin; plus strand). Cytogenetic location: 20p13.
Variant type: single nucleotide variant.
Coding change: c.3701A>G on transcript NM_139321.3 (MANE Select); coding-DNA position 3701, A replaced by G.
Protein change: p.Tyr1234Cys; replaces tyrosine 1234 with cysteine.
Molecular consequence: missense variant.
Genome position (GRCh38, 1-based): chr20:3,604,162, A>G. VCF-style: chr20-3604162-A-G. GRCh37 (hg19) VCF-style: chr20-3584809-A-G.
Other names: c.3353A>G, p.Tyr1118Cys (NM_001207047.3); c.3701A>G, p.Tyr1234Cys (NM_001323332.2, NM_139322.4); short protein forms Y1118C, Y1234C.
Identifiers: ClinVar variation 1933443 (VCV001933443.5), dbSNP rs930444887, ClinGen allele CA310974425.
Genomic context (GRCh38, chr20:3,604,162, plus strand): 5'-CAGCTGGAACCCAGGCTGGAGAAGAGATGCCTGTTGTTTCAAAAACCAACATTAAGGAGT[A>G]CAAAGATAGTTTCTCTAATGAGAAGTTTGATTTTCGCAACCACCCAAATATCACTTTCTT-3'
Protein context (NP_647537.1, residues 1224-1244): PVVSKTNIKE[Tyr1234Cys]KDSFSNEKFD